The following is an entry in ClinVar:

ClinVar aggregate classification (germline): Uncertain significance (1 of 4 stars; one submission).

Submission:

Labcorp Genetics (formerly Invitae), Labcorp
Classification: Uncertain significance. Last evaluated: 2024-01-08. Review status: criteria provided, single submitter. Criteria: Invitae Variant Classification Sherloc (09022015). Collection method: clinical testing. Allele origin: germline.
Comment: This sequence change replaces methionine, which is neutral and non-polar, with isoleucine, which is neutral and non-polar, at codon 1125 of the SON protein (p.Met1125Ile). This variant is not present in population databases (gnomAD no frequency). This variant has not been reported in the literature in individuals affected with SON-related conditions. ClinVar contains an entry for this variant (Variation ID: 1982962). An algorithm developed to predict the effect of missense changes on protein structure and function (PolyPhen-2) suggests that this variant is likely to be disruptive. In summary, the available evidence is currently insufficient to determine the role of this variant in disease. Therefore, it has been classified as a Variant of Uncertain Significance.

NM_138927.4(SON):c.3375G>T (p.Met1125Ile)

Gene: SON (SON DNA and RNA binding protein; plus strand). Cytogenetic location: 21q22.11.
Variant type: single nucleotide variant.
Coding change: c.3375G>T on transcript NM_138927.4 (MANE Select); coding-DNA position 3375, G replaced by T.
Protein change: p.Met1125Ile; replaces methionine 1125 with isoleucine.
Molecular consequence: missense variant. On other transcripts: non-coding transcript variant (1), intron variant (1).
Genome position (GRCh38, 1-based): chr21:33,552,606, G>T. VCF-style: chr21-33552606-G-T. GRCh37 (hg19) VCF-style: chr21-34924912-G-T.
Other names: c.3375G>T, p.Met1125Ile (NM_001291411.2, NM_001412133.1, NM_032195.3 and 2 more transcripts); c.245-4550G>T (NM_001291412.3); short protein forms M1125I.
Identifiers: ClinVar variation 1982962 (VCV001982962.4), dbSNP rs777671909, ClinGen allele CA410160059.
Genomic context (GRCh38, chr21:33,552,606, plus strand): 5'-ATCGTACTCTGCAGCTGACCGATCTATGATGTCATCTTATACTGCTGATCGTTCAATGAT[G>T]TCTATGGCTGCTGATTCTTACACCGATTCTTACACTGACACATATACAGAGGCATATATG-3'
Protein context (NP_620305.3, residues 1115-1135): MSSYTADRSM[Met1125Ile]SMAADSYTDS